The following is an entry in ClinVar:

NM_031427.4(DNAL1):c.382A>G (p.Lys128Glu)

Gene: DNAL1 (dynein axonemal light chain 1; plus strand). Cytogenetic location: 14q24.3.
Variant type: single nucleotide variant.
Coding change: c.382A>G on transcript NM_031427.4 (MANE Select); coding-DNA position 382, A replaced by G.
Protein change: p.Lys128Glu; replaces lysine 128 with glutamic acid.
Molecular consequence: missense variant.
Genome position (GRCh38, 1-based): chr14:73,687,376, A>G. VCF-style: chr14-73687376-A-G. GRCh37 (hg19) VCF-style: chr14-74154079-A-G.
Other names: c.265A>G, p.Lys89Glu (NM_001201366.2); short protein forms K128E, K89E.
Identifiers: ClinVar variation 4243339 (VCV004243339.1).

ClinVar aggregate classification (germline): Uncertain significance (1 of 4 stars; one submission).

Conditions:
Inborn genetic diseases. Identifiers: MedGen C0950123, MeSH D030342.

gnomAD v4.1: 5 of 1,601,662 alleles (0.00031%); highest among the groups gnomAD compares: African/African-American, 0.0067%; no homozygotes.

Submission:

Ambry Genetics
Classification: Uncertain significance for Inborn genetic diseases. Last evaluated: 2025-09-06. Review status: criteria provided, single submitter. Criteria: Ambry Variant Classification Scheme 2023. Collection method: clinical testing. Allele origin: germline.
Comment: The p.K128E variant (also known as c.382A>G), located in coding exon 6 of the DNAL1 gene, results from an A to G substitution at nucleotide position 382. The lysine at codon 128 is replaced by glutamic acid, an amino acid with similar properties. This amino acid position is conserved. In addition, the in silico prediction for this alteration is inconclusive. Based on the available evidence, the clinical significance of this variant remains unclear.